The following is an entry in ClinVar:

ClinVar aggregate classification (germline): Uncertain significance (1 of 4 stars; one submission).

Conditions:
Nemaline myopathy 2 (NEM2). Also called: Nemaline myopathy 2, autosomal recessive. Identifiers: MedGen C1850569, MONDO:0009725, OMIM 256030.

Allele frequency attached by ClinVar (database versions not stated): gnomAD exomes below 0.00001.
gnomAD v4.1: 2 of 1,613,730 alleles (0.00012%); highest among the groups gnomAD compares: Admixed American, 0.0017%; no homozygotes.

Submission:

Labcorp Genetics (formerly Invitae), Labcorp
Classification: Uncertain significance for Nemaline myopathy 2. Last evaluated: 2022-05-28. Review status: criteria provided, single submitter. Criteria: Invitae Variant Classification Sherloc (09022015). Collection method: clinical testing. Allele origin: germline.
Comment: This sequence change replaces proline, which is neutral and non-polar, with serine, which is neutral and polar, at codon 5972 of the NEB protein (p.Pro5972Ser). This variant is not present in population databases (gnomAD no frequency). This variant has not been reported in the literature in individuals affected with NEB-related conditions. Algorithms developed to predict the effect of missense changes on protein structure and function are either unavailable or do not agree on the potential impact of this missense change (SIFT: "Deleterious"; PolyPhen-2: "Not Available"; Align-GVGD: "Class C0"). In summary, the available evidence is currently insufficient to determine the role of this variant in disease. Therefore, it has been classified as a Variant of Uncertain Significance.

NM_001164508.2(NEB):c.17914C>T (p.Pro5972Ser)

Gene: NEB (nebulin; minus strand). Cytogenetic location: 2q23.3.
Variant type: single nucleotide variant.
Coding change: c.17914C>T on transcript NM_001164508.2 (MANE Select); coding-DNA position 17914, C replaced by T.
Protein change: p.Pro5972Ser; replaces proline 5972 with serine.
Molecular consequence: missense variant.
Genome position (GRCh38, 1-based): chr2:151,567,410, G>A on the plus strand (C>T on the coding strand, the complement: NEB is on the minus strand). VCF-style: chr2-151567410-G-A. GRCh37 (hg19) VCF-style: chr2-152423924-G-A.
Other names: c.17914C>T, p.Pro5972Ser (NM_001164507.2, NM_001271208.2); c.12811C>T, p.Pro4271Ser (NM_004543.5); short protein forms P5972S, P4271S.
Identifiers: ClinVar variation 2086055 (VCV002086055.1), dbSNP rs990775501, ClinGen allele CA57660450.